The following is an entry in ClinVar:

NM_000478.6(ALPL):c.1119C>T (p.Thr373=)

Gene: ALPL (alkaline phosphatase, biomineralization associated; plus strand). Cytogenetic location: 1p36.12.
Variant type: single nucleotide variant.
Coding change: c.1119C>T on transcript NM_000478.6 (MANE Select); coding-DNA position 1119, C replaced by T.
Protein change: p.Thr373=; no amino-acid change (threonine 373 retained).
Molecular consequence: synonymous variant.
Genome position (GRCh38, 1-based): chr1:21,575,854, C>T. VCF-style: chr1-21575854-C-T. GRCh37 (hg19) VCF-style: chr1-21902347-C-T.
Other names: p.Thr373=; c.954C>T, p.Thr318= (NM_001127501.4); c.888C>T, p.Thr296= (NM_001177520.3); c.1119C>T, p.Thr373= (NM_001369803.2, NM_001369804.2, NM_001369805.2).
Identifiers: ClinVar variation 295548 (VCV000295548.30), dbSNP rs112335417, ClinGen allele CA666734.

ClinVar aggregate classification (germline): Benign/Likely benign. Review status: criteria provided, multiple submitters, no conflicts (2 of 4 stars). 8 submissions from 8 submitters: Benign (5); Likely benign (3). Last evaluated 2026-02-04.

Conditions:
Hypophosphatasia. Also called: Phosphoethanol-aminuria. Identifiers: Orphanet 436, MedGen C0020630, MeSH D007014, MONDO:0018570.
Osteogenesis imperfecta (OI). Identifiers: Orphanet 666, MedGen C0029434, MeSH D010013, MONDO:0019019.

Allele frequency attached by ClinVar (database versions not stated): gnomAD exomes 0.00075 and 0.00200; ExAC 0.00229; 1000 Genomes Project 0.00719; ESP Exome Variant Server 0.00777; gnomAD 0.00792 and 0.00852; 1000 Genomes Project 30x 0.00828; TOPMed 0.00852.
gnomAD v4.1: 2,348 of 1,614,232 alleles (0.15%); highest among the groups gnomAD compares: African/African-American, 2.7%; 36 homozygotes.

Submissions (8):

Labcorp Genetics (formerly Invitae), Labcorp
Classification: Benign. Last evaluated: 2026-02-04. Review status: criteria provided, single submitter. Criteria: Invitae Variant Classification Sherloc (09022015). Collection method: clinical testing. Allele origin: germline.

Mayo Clinic Laboratories, Mayo Clinic
Classification: Benign. Last evaluated: 2025-04-21. Review status: criteria provided, single submitter. Criteria: ACMG Guidelines, 2015. Collection method: clinical testing. Allele origin: germline. Observed: 3 variant alleles.
Comment: BS1, BS2, BP4, BP7

ARUP Laboratories, Molecular Genetics and Genomics, ARUP Laboratories
Classification: Benign. Last evaluated: 2023-10-11. Review status: criteria provided, single submitter. Criteria: ARUP Molecular Germline Variant Investigation Process 2024. Collection method: clinical testing. Allele origin: germline.

Genome Diagnostics Laboratory, The Hospital for Sick Children
Classification: Likely benign for Osteogenesis imperfecta. Last evaluated: 2021-01-08. Review status: criteria provided, single submitter. Criteria: ACMG Guidelines, 2015. Collection method: clinical testing. Allele origin: germline.

GeneDx
Classification: Likely benign. Last evaluated: 2020-05-26. Review status: criteria provided, single submitter. Criteria: GeneDx Variant Classification Process June 2021. Collection method: clinical testing. Allele origin: germline. Affected: yes.

Athena Diagnostics
Classification: Benign. Last evaluated: 2018-03-02. Review status: criteria provided, single submitter. Criteria: Athena Diagnostics Criteria. Collection method: clinical testing. Allele origin: germline.

Illumina Laboratory Services, Illumina
Classification: Benign for Hypophosphatasia. Last evaluated: 2018-01-13. Review status: criteria provided, single submitter. Criteria: ICSL Variant Classification Criteria 13 December 2019. Collection method: clinical testing. Allele origin: germline.
Comment: This variant was observed in the ICSL laboratory as part of a predisposition screen in an ostensibly healthy population. It had not been previously curated by ICSL or reported in the Human Gene Mutation Database (HGMD: prior to June 1st, 2018), and was therefore a candidate for classification through an automated scoring system. Utilizing variant allele frequency, disease prevalence and penetrance estimates, and inheritance mode, an automated score was calculated to assess if this variant is too frequent to cause the disease. Based on the score and internal cut-off values, a variant classified as benign is not then subjected to further curation. The score for this variant resulted in a classification of benign for this disease.

Breakthrough Genomics
Classification: Likely benign. Review status: criteria provided, single submitter. Criteria: ACMG Guidelines, 2015. Collection method: not provided. Allele origin: germline. Inheritance: Autosomal recessive inheritance. Affected: yes.